The following is an entry in ClinVar:

ClinVar aggregate classification (germline): Pathogenic. Review status: criteria provided, multiple submitters, no conflicts (2 of 4 stars). 4 submissions from 4 submitters: Pathogenic (4). Last evaluated 2026-08-29.

Conditions:
Myoglobinuria, acute recurrent, autosomal recessive. Also called: Myoglobinuria, recurrent, autosomal recessive; MYOGLOBINURIA, FAMILIAL PAROXYSMAL PARALYTIC; RHABDOMYOLYSIS, ACUTE RECURRENT. Identifiers: Orphanet 99845, MedGen C1849386, MONDO:0009992, OMIM 268200.
Acute rhabdomyolysis. Identifiers: MedGen C3807306, HP:0008942.

Allele frequency attached by ClinVar (database versions not stated): TOPMed 0.00001; gnomAD exomes 0.00003 and 0.00002; ExAC 0.00002; gnomAD 0.00001.
gnomAD v4.1: 46 of 1,610,292 alleles (0.0029%); highest among the groups gnomAD compares: South Asian, 0.0044%; no homozygotes.

Submissions (4):

GeneDx
Classification: Pathogenic. Last evaluated: 2026-08-29. Review status: criteria provided, single submitter. Criteria: GeneDx Variant Classification Process June 2021. Collection method: clinical testing. Allele origin: germline.
Comment: Nonsense variant predicted to result in protein truncation or nonsense mediated decay in a gene for which loss of function is a known mechanism of disease; Not observed at significant frequency in large population cohorts (gnomAD); This variant is associated with the following publications: (PMID: 22481384, 35948506, 37510298)

NHS Central & South Genomic Laboratory Hub
Classification: Pathogenic for Acute Rhabdomyolysis. Last evaluated: 2025-10-21. Review status: criteria provided, single submitter. Criteria: ACMG Guidelines, 2015. Collection method: clinical testing. Allele origin: germline. Affected: yes.

Fulgent Genetics
Classification: Pathogenic for Myoglobinuria, acute recurrent, autosomal recessive. Last evaluated: 2024-05-27. Review status: criteria provided, single submitter. Criteria: ACMG Guidelines, 2015. Collection method: clinical testing. Allele origin: germline.

Labcorp Genetics (formerly Invitae), Labcorp
Classification: Pathogenic. Last evaluated: 2024-04-22. Review status: criteria provided, single submitter. Criteria: Invitae Variant Classification Sherloc (09022015). Collection method: clinical testing. Allele origin: germline.
Comment: This sequence change creates a premature translational stop signal (p.Arg61*) in the LPIN1 gene. It is expected to result in an absent or disrupted protein product. Loss-of-function variants in LPIN1 are known to be pathogenic (PMID: 18817903, 20583302, 22481384, 26111941). This variant is present in population databases (rs747835893, gnomAD 0.01%). This premature translational stop signal has been observed in individual(s) with clinical features of myoglobinuria (PMID: 22481384). ClinVar contains an entry for this variant (Variation ID: 1205474). For these reasons, this variant has been classified as Pathogenic.

Literature cited by the submitters: PubMed 18817903 (cited by Labcorp Genetics (formerly Invitae), Labcorp); PubMed 20583302 (cited by Labcorp Genetics (formerly Invitae), Labcorp); PubMed 22481384 (cited by Labcorp Genetics (formerly Invitae), Labcorp); PubMed 26111941 (cited by Labcorp Genetics (formerly Invitae), Labcorp).

NM_001349206.2(LPIN1):c.181C>T (p.Arg61Ter)

Gene: LPIN1 (lipin 1; plus strand). Cytogenetic location: 2p25.1.
Variant type: single nucleotide variant.
Coding change: c.181C>T on transcript NM_001349206.2 (MANE Select); coding-DNA position 181, C replaced by T.
Protein change: p.Arg61Ter; replaces arginine 61 with a stop codon.
Molecular consequence: nonsense. On other transcripts: non-coding transcript variant (1).
Genome position (GRCh38, 1-based): chr2:11,765,722, C>T. VCF-style: chr2-11765722-C-T. GRCh37 (hg19) VCF-style: chr2-11905848-C-T.
Other names: c.199C>T, p.Arg67Ter (NM_001261427.3); c.328C>T, p.Arg110Ter (NM_001261428.3, NM_001349208.2); c.181C>T, p.Arg61Ter (NM_001349199.2, NM_001349200.2, NM_001349201.2 and 5 more transcripts); c.271C>T, p.Arg91Ter (NM_001349207.2); short protein forms R110*, R61*, R67*, R91*.
Identifiers: ClinVar variation 1205474 (VCV001205474.11), dbSNP rs747835893, ClinGen allele CA1533352.